The following is an entry in ClinVar:

NM_000051.4(ATM):c.3369A>C (p.Ala1123=)

Gene: ATM (ATM serine/threonine kinase; plus strand). Cytogenetic location: 11q22.3.
Variant type: single nucleotide variant.
Coding change: c.3369A>C on transcript NM_000051.4 (MANE Select); coding-DNA position 3369, A replaced by C.
Protein change: p.Ala1123=; no amino-acid change (alanine 1123 retained).
Molecular consequence: synonymous variant.
Genome position (GRCh38, 1-based): chr11:108,279,575, A>C. VCF-style: chr11-108279575-A-C. GRCh37 (hg19) VCF-style: chr11-108150302-A-C.
Other names: c.3369A>C, p.Ala1123= (NM_001351834.2).
Identifiers: ClinVar variation 3254259 (VCV003254259.1), dbSNP rs587780543.

ClinVar aggregate classification (germline): Benign (1 of 4 stars; one submission).

Conditions:
Familial cancer of breast. Also called: BREAST CANCER, FAMILIAL; Hereditary breast cancer; hereditary breast carcinoma. Identifiers: Orphanet 227535, MedGen C0346153, MONDO:0016419, OMIM 114480. Disease mechanism: loss of function.

Submission:

Myriad Genetics, Inc.
Classification: Benign for Familial cancer of breast. Last evaluated: 2024-05-14. Review status: criteria provided, single submitter. Criteria: Myriad Autosomal Dominant, Autosomal Recessive and X-Linked Classification Criteria (2023). Collection method: clinical testing. Allele origin: unknown.
Comment: This variant is considered benign. This variant is a silent/synonymous amino acid change and it is not expected to impact splicing.